The following is an entry in ClinVar:

NM_024408.4(NOTCH2):c.1500C>A (p.Ser500Arg)

Gene: NOTCH2 (notch receptor 2; minus strand). Cytogenetic location: 1p12.
Variant type: single nucleotide variant.
Coding change: c.1500C>A on transcript NM_024408.4 (MANE Select); coding-DNA position 1500, C replaced by A.
Protein change: p.Ser500Arg; replaces serine 500 with arginine.
Molecular consequence: missense variant.
Genome position (GRCh38, 1-based): chr1:119,966,443, G>T on the plus strand (C>A on the coding strand, the complement: NOTCH2 is on the minus strand). VCF-style: chr1-119966443-G-T. GRCh37 (hg19) VCF-style: chr1-120509066-G-T.
Other names: c.1500C>A, p.Ser500Arg (NM_001200001.2); short protein forms S500R.
Identifiers: ClinVar variation 2807996 (VCV002807996.3), dbSNP rs2526300212, ClinGen allele CA341876608.
Genomic context (GRCh38, chr1:119,966,443, plus strand): 5'-ACACAGGCACTGGAAACGATTGACTTTATCCACACACTGCCCATTGTTCACACAAGGGTT[G>T]CTCTGACATTCATTTATTTCTAATTCACAATGCACACCTTTGAAACCTAAACAAAACAGA-3'
Protein context (NP_077719.2, residues 490-510): HCELEINECQ[Ser500Arg]NPCVNNGQCV

ClinVar aggregate classification (germline): Uncertain significance (1 of 4 stars; one submission).

Conditions:
Hajdu-Cheney syndrome (HJCYS). Also called: ACROOSTEOLYSIS WITH OSTEOPOROSIS AND CHANGES IN SKULL AND MANDIBLE; Acroosteolysis dominant type; SERPENTINE FIBULA-POLYCYSTIC KIDNEY SYNDROME. Identifiers: Orphanet 955, MedGen C0917715, MONDO:0007057, OMIM 102500.

Submission:

Labcorp Genetics (formerly Invitae), Labcorp
Classification: Uncertain significance for Hajdu-Cheney syndrome. Last evaluated: 2023-09-24. Review status: criteria provided, single submitter. Criteria: Invitae Variant Classification Sherloc (09022015). Collection method: clinical testing. Allele origin: germline.
Comment: Advanced modeling of protein sequence and biophysical properties (such as structural, functional, and spatial information, amino acid conservation, physicochemical variation, residue mobility, and thermodynamic stability) performed at Invitae indicates that this missense variant is expected to disrupt NOTCH2 protein function. In summary, the available evidence is currently insufficient to determine the role of this variant in disease. Therefore, it has been classified as a Variant of Uncertain Significance. This sequence change replaces serine, which is neutral and polar, with arginine, which is basic and polar, at codon 500 of the NOTCH2 protein (p.Ser500Arg). This variant is not present in population databases (gnomAD no frequency). This variant has not been reported in the literature in individuals affected with NOTCH2-related conditions.